The following is an entry in ClinVar:

ClinVar aggregate classification (germline): Uncertain significance (1 of 4 stars; one submission).

gnomAD v4.1: 6 of 1,573,266 alleles (0.00038%); highest among the groups gnomAD compares: African/African-American, 0.0014%; no homozygotes.

Submission:

Labcorp Genetics (formerly Invitae), Labcorp
Classification: Uncertain significance. Last evaluated: 2023-03-28. Review status: criteria provided, single submitter. Criteria: Invitae Variant Classification Sherloc (09022015). Collection method: clinical testing. Allele origin: germline.
Comment: This variant is not present in population databases (gnomAD no frequency). This sequence change replaces glycine, which is neutral and non-polar, with alanine, which is neutral and non-polar, at codon 263 of the POLE2 protein (p.Gly263Ala). This variant has not been reported in the literature in individuals affected with POLE2-related conditions. In summary, the available evidence is currently insufficient to determine the role of this variant in disease. Therefore, it has been classified as a Variant of Uncertain Significance. Algorithms developed to predict the effect of sequence changes on RNA splicing suggest that this variant may disrupt the consensus splice site. An algorithm developed to predict the effect of missense changes on protein structure and function (PolyPhen-2) suggests that this variant is likely to be disruptive.

NM_002692.4(POLE2):c.788G>C (p.Gly263Ala)

Gene: POLE2 (DNA polymerase epsilon 2, accessory subunit; minus strand). Cytogenetic location: 14q21.3.
Variant type: single nucleotide variant.
Coding change: c.788G>C on transcript NM_002692.4 (MANE Select); coding-DNA position 788, G replaced by C.
Protein change: p.Gly263Ala; replaces glycine 263 with alanine.
Molecular consequence: missense variant.
Genome position (GRCh38, 1-based): chr14:49,655,811, C>G on the plus strand (G>C on the coding strand, the complement: POLE2 is on the minus strand). VCF-style: chr14-49655811-C-G. GRCh37 (hg19) VCF-style: chr14-50122529-C-G.
Other names: c.710G>C, p.Gly237Ala (NM_001197330.2); c.788G>C, p.Gly263Ala (NM_001197331.3, NM_001348384.2); c.557G>C, p.Gly186Ala (NM_001348385.2); short protein forms G263A, G237A, G186A.
Identifiers: ClinVar variation 2848606 (VCV002848606.3), dbSNP rs1234771180, ClinGen allele CA389604552.